The following is an entry in ClinVar:

ClinVar aggregate classification (germline): Uncertain significance (1 of 4 stars; one submission).

Conditions:
Hereditary cancer-predisposing syndrome. Also called: Hereditary Cancer Syndrome; Hereditary neoplastic syndrome; Neoplastic Syndromes, Hereditary; Tumor predisposition. Identifiers: Orphanet 140162, MedGen C0027672, MeSH D009386, MONDO:0015356.

Submission:

Ambry Genetics
Classification: Uncertain significance for Hereditary cancer-predisposing syndrome. Last evaluated: 2020-12-02. Review status: criteria provided, single submitter. Criteria: Ambry Variant Classification Scheme 2023. Collection method: clinical testing. Allele origin: germline.
Comment: The c.9933delC variant, located in coding exon 26 of the BRCA2 gene, results from a deletion of one nucleotide at nucleotide position 9933, causing a translational frameshift with a predicted alternate stop codon (p.I3312*). This alteration occurs at the 3' terminus of theBRCA2 gene, is not expected to trigger nonsense-mediated mRNAdecay, and only impacts the last 108 amino acids of the protein. The exact functional effect of this alteration is unknown. Since supporting evidence is limited at this time, the clinical significance of this alteration remains unclear.

NM_000059.4(BRCA2):c.9933del (p.Pro3311_Ile3312insTer)

Gene: BRCA2 (BRCA2 DNA repair associated; plus strand). Cytogenetic location: 13q13.1.
Variant type: Deletion.
Coding change: c.9933del on transcript NM_000059.4 (MANE Select); coding-DNA position 9933, one base deleted (C; older notation c.9933delC).
Protein change: p.Pro3311_Ile3312insTer.
Molecular consequence: frameshift variant. On other transcripts: nonsense (4).
Genome position (GRCh38, 1-based): chr13:32,398,446, C deleted; the last of 3 consecutive C bases (chr13:32,398,444-32,398,446); deleting any one gives the same sequence. VCF-style (leftmost placement, unchanged base first): chr13-32398443-AC-A. GRCh37 (hg19) VCF-style: chr13-32972580-AC-A.
Other names: c.9837delC, p.Ile3280Terfs (NM_001406719.1); c.9882delC, p.Ile3295Terfs (NM_001406720.1); c.5001delC, p.Ile1668Terfs (NM_001406721.1); c.3516delC, p.Ile1173Terfs (NM_001406722.1).
Identifiers: ClinVar variation 1768653 (VCV001768653.2), dbSNP rs2548565157, ClinGen allele CA2580087471.